The following is an entry in ClinVar:

ClinVar aggregate classification (germline): Uncertain significance (1 of 4 stars; one submission).

Conditions:
Early-infantile DEE. Also called: Ohtahara syndrome; Early infantile epileptic encephalopathy with suppression bursts; Early infantile epileptic encephalopathy. Identifiers: Orphanet 1934, MedGen C0393706, MONDO:0800491.

Submission:

Labcorp Genetics (formerly Invitae), Labcorp
Classification: Uncertain significance for Early-infantile DEE. Last evaluated: 2024-03-28. Review status: criteria provided, single submitter. Criteria: Invitae Variant Classification Sherloc (09022015). Collection method: clinical testing. Allele origin: germline.
Comment: This sequence change replaces isoleucine, which is neutral and non-polar, with valine, which is neutral and non-polar, at codon 1312 of the SCN1A protein (p.Ile1312Val). This variant is not present in population databases (gnomAD no frequency). This variant has not been reported in the literature in individuals affected with SCN1A-related conditions. Advanced modeling of protein sequence and biophysical properties (such as structural, functional, and spatial information, amino acid conservation, physicochemical variation, residue mobility, and thermodynamic stability) performed at Invitae indicates that this missense variant is expected to disrupt SCN1A protein function with a positive predictive value of 95%. In summary, the available evidence is currently insufficient to determine the role of this variant in disease. Therefore, it has been classified as a Variant of Uncertain Significance.

NM_001165963.4(SCN1A):c.3934A>G (p.Ile1312Val)

Genes: SCN1A (sodium voltage-gated channel alpha subunit 1; minus strand), LOC102724058 (uncharacterized LOC102724058; plus strand). Cytogenetic location: 2q24.3.
Variant type: single nucleotide variant.
Coding change: c.3934A>G on transcript NM_001165963.4 (MANE Select); coding-DNA position 3934, A replaced by G.
Protein change: p.Ile1312Val; replaces isoleucine 1312 with valine.
Molecular consequence: missense variant. On other transcripts: non-coding transcript variant (1).
Genome position (GRCh38, 1-based): chr2:166,009,787, T>C on the plus strand (A>G on the coding strand, the complement: SCN1A is on the minus strand). VCF-style: chr2-166009787-T-C. GRCh37 (hg19) VCF-style: chr2-166866297-T-C.
Other names: c.3850A>G, p.Ile1284Val (NM_001165964.3, NM_001353957.2, NM_001353958.2); c.3934A>G, p.Ile1312Val (NM_001202435.3, NM_001353948.2); c.3901A>G, p.Ile1301Val (NM_001353949.2, NM_001353950.2, NM_001353951.2 and 2 more transcripts); c.3898A>G, p.Ile1300Val (NM_001353954.2, NM_001353955.2); c.3847A>G, p.Ile1283Val (NM_001353960.2); c.1492A>G, p.Ile498Val (NM_001353961.2); short protein forms I1301V, I1312V, I1300V, I1283V, I1284V, I498V.
Identifiers: ClinVar variation 3717197 (VCV003717197.2), dbSNP rs796053003.
Genomic context (GRCh38, chr2:166,009,787, plus strand): 5'-CTTCAAATCGAGATAAGGCTCTTAGAGGTCTCAGAGCTCTTAGTGTCCTGAGAGATTTGA[T>C]GGCTCCAAGTTCTGAGTAACCCAAGGCATTTGCTGTTAAACTGACCAATGAAACCTGCAC-3'
Protein context (NP_001159435.1, residues 1302-1322): NALGYSELGA[Ile1312Val]KSLRTLRALR